The following is an entry in ClinVar:

NM_000836.4(GRIN2D):c.2727G>C (p.Pro909=)

Gene: GRIN2D (glutamate ionotropic receptor NMDA type subunit 2D; plus strand). Cytogenetic location: 19q13.33.
Variant type: single nucleotide variant.
Coding change: c.2727G>C on transcript NM_000836.4 (MANE Select); coding-DNA position 2727, G replaced by C.
Protein change: p.Pro909=; no amino-acid change (proline 909 retained).
Molecular consequence: synonymous variant.
Genome position (GRCh38, 1-based): chr19:48,442,653, G>C. VCF-style: chr19-48442653-G-C. GRCh37 (hg19) VCF-style: chr19-48945910-G-C.
Identifiers: ClinVar variation 2650203 (VCV002650203.24), dbSNP rs1415011485, ClinGen allele CA508264689.
Genomic context (GRCh38, chr19:48,442,653, plus strand): 5'-CCCGCAGGGCATGTACAGCTGCTGCAGCGCTGAGGCCGCCCCACCGCCCGCCAAGCCCCC[G>C]CCGCCGCCACAGCCCCTGCCCAGCCCCGCGTACCCCGCGCCGCGGCCGGCTCCCGGGCCC-3'
Protein context (NP_000827.2, residues 899-919): AEAAPPPAKP[Pro909=]PPPQPLPSPA

ClinVar aggregate classification (germline): Likely benign (1 of 4 stars; one submission).

Submission:

CeGaT Center for Human Genetics Tuebingen
Classification: Likely benign. Last evaluated: 2023-10-01. Review status: criteria provided, single submitter. Criteria: CeGaT Center For Human Genetics Tuebingen Variant Classification Criteria Version 2. Collection method: clinical testing. Allele origin: germline. Affected: yes. Observed: 1 variant allele.
Comment: GRIN2D: PM2:Supporting, BP4, BP7